The following is an entry in ClinVar:

NM_001048174.2(MUTYH):c.1096A>G (p.Asn366Asp)

Gene: MUTYH (mutY DNA glycosylase; minus strand). Cytogenetic location: 1p34.1.
Variant type: single nucleotide variant.
Coding change: c.1096A>G on transcript NM_001048174.2 (MANE Select); coding-DNA position 1096, A replaced by G.
Protein change: p.Asn366Asp; replaces asparagine 366 with aspartic acid.
Molecular consequence: missense variant. On other transcripts: non-coding transcript variant (2).
Genome position (GRCh38, 1-based): chr1:45,331,667, T>C on the plus strand (A>G on the coding strand, the complement: MUTYH is on the minus strand). VCF-style: chr1-45331667-T-C. GRCh37 (hg19) VCF-style: chr1-45797339-T-C.
Other names: c.1096A>G, p.Asn366Asp (NM_001048171.2, NM_001048173.2, NM_001293195.2); c.1099A>G, p.Asn367Asp (NM_001048172.2); c.1180A>G, p.Asn394Asp (NM_001128425.2); c.1141A>G, p.Asn381Asp (NM_001293190.2); c.1129A>G, p.Asn377Asp (NM_001293191.2); c.820A>G, p.Asn274Asp (NM_001293192.2, NM_001293196.2); c.751A>G, p.Asn251Asp (NM_001350650.2, NM_001350651.2); c.1171A>G, p.Asn391Asp (NM_012222.3); short protein forms N367D, N391D, N394D, N251D, N274D, N366D, N381D, N377D.
Identifiers: ClinVar variation 925423 (VCV000925423.20), dbSNP rs1644888393, ClinGen allele CA340133268.

ClinVar aggregate classification (germline): Conflicting classifications of pathogenicity. Review status: criteria provided, conflicting classifications (1 of 4 stars). 5 submissions from 5 submitters: Uncertain significance (4); Likely benign (1). Last evaluated 2025-06-26.

Conditions:
Familial adenomatous polyposis 2. Also called: Adenomas, multiple colorectal; MUTYH Polyposis; COLORECTAL ADENOMATOUS POLYPOSIS, AUTOSOMAL RECESSIVE; ADENOMAS, MULTIPLE COLORECTAL, AUTOSOMAL RECESSIVE; MUTYH-associated polyposis; MUTYH-related attenuated familial adenomatous polyposis. Identifiers: Orphanet 220460, Orphanet 247798, MedGen C3272841, MONDO:0012041, OMIM 608456.
Hereditary cancer-predisposing syndrome. Also called: Neoplastic Syndromes, Hereditary; Tumor predisposition; Hereditary Cancer Syndrome; Hereditary neoplastic syndrome. Identifiers: Orphanet 140162, MedGen C0027672, MeSH D009386, MONDO:0015356.

Submissions (5):

Ambry Genetics
Classification: Likely benign for Hereditary cancer-predisposing syndrome. Last evaluated: 2025-06-26. Review status: criteria provided, single submitter. Criteria: Ambry Variant Classification Scheme 2023. Collection method: clinical testing. Allele origin: germline.

Labcorp Genetics (formerly Invitae), Labcorp
Classification: Uncertain significance for Familial adenomatous polyposis 2. Last evaluated: 2024-12-18. Review status: criteria provided, single submitter. Criteria: Invitae Variant Classification Sherloc (09022015). Collection method: clinical testing. Allele origin: germline.
Comment: This sequence change replaces asparagine, which is neutral and polar, with aspartic acid, which is acidic and polar, at codon 394 of the MUTYH protein (p.Asn394Asp). This variant is not present in population databases (gnomAD no frequency). This variant has not been reported in the literature in individuals affected with MUTYH-related conditions. ClinVar contains an entry for this variant (Variation ID: 925423). An algorithm developed to predict the effect of missense changes on protein structure and function outputs the following: PolyPhen-2: "Benign". The aspartic acid amino acid residue is found in multiple mammalian species, which suggests that this missense change does not adversely affect protein function. In summary, the available evidence is currently insufficient to determine the role of this variant in disease. Therefore, it has been classified as a Variant of Uncertain Significance.

Color Diagnostics, LLC DBA Color Health
Classification: Uncertain significance for Hereditary cancer-predisposing syndrome. Last evaluated: 2024-03-06. Review status: criteria provided, single submitter. Criteria: ACMG Guidelines, 2015. Collection method: clinical testing. Allele origin: germline.
Comment: This missense variant replaces asparagine with aspartic acid at codon 394 of the MUTYH protein. Computational prediction suggests that this variant may not impact protein structure and function (internally defined REVEL score threshold <= 0.5, PMID: 27666373). To our knowledge, functional studies have not been reported for this variant. This variant has not been reported in individuals affected with MUTYH-related disorders in the literature. This variant has not been identified in the general population by the Genome Aggregation Database (gnomAD). The available evidence is insufficient to determine the role of this variant in disease conclusively. Therefore, this variant is classified as a Variant of Uncertain Significance.

All of Us Research Program, National Institutes of Health
Classification: Uncertain significance for Familial adenomatous polyposis 2. Last evaluated: 2023-07-10. Review status: criteria provided, single submitter. Criteria: ACMG Guidelines, 2015. Collection method: clinical testing. Allele origin: germline. Inheritance: Autosomal recessive inheritance. Observed: 1 variant allele, 1 heterozygote.
Comment: This missense variant replaces asparagine with aspartic acid at codon 394 of the MUTYH protein. Computational prediction suggests that this variant may not impact protein structure and function (internally defined REVEL score threshold <= 0.5, PMID: 27666373). To our knowledge, functional studies have not been reported for this variant. This variant has not been reported in individuals affected with MUTYH-related disorders in the literature. This variant has not been identified in the general population by the Genome Aggregation Database (gnomAD). The available evidence is insufficient to determine the role of this variant in disease conclusively. Therefore, this variant is classified as a Variant of Uncertain Significance.

This study involves interpretation of variants in research participants for the purpose of population health screening. Participant phenotype was not available at the time of variant classification. Additional details can be found in publication PMID: 35346344, PMCID: PMC8962531

Mendelics
Classification: Uncertain significance. Last evaluated: 2022-05-04. Review status: criteria provided, single submitter. Criteria: Mendelics Assertion Criteria 2019. Collection method: clinical testing. Allele origin: germline.